The following is an entry in ClinVar:

ClinVar aggregate classification (germline): Uncertain significance (1 of 4 stars; one submission).

Conditions:
Arrhythmogenic right ventricular dysplasia 8 (ARVD8). Also called: Arrhythmogenic Right Ventricular Dysplasia/Cardiomyopathy 8; ARRHYTHMOGENIC RIGHT VENTRICULAR DYSPLASIA, FAMILIAL, 8; ARRHYTHMOGENIC RIGHT VENTRICULAR CARDIOMYOPATHY 8. Identifiers: MedGen C1843896, MONDO:0011831, OMIM 607450.
Arrhythmogenic cardiomyopathy with wooly hair and keratoderma. Also called: PALMOPLANTAR KERATODERMA WITH LEFT VENTRICULAR CARDIOMYOPATHY AND WOOLLY HAIR; Dilated cardiomyopathy with woolly hair and keratoderma; Arrhythmogenic cardiomyopathy with woolly hair and keratoderma; Carvajal syndrome. Identifiers: Orphanet 65282, MedGen C1854063, MONDO:0011581, OMIM 605676.

gnomAD v4.1: 1 of 1,614,082 alleles (0.000062%); highest among the groups gnomAD compares: Non-Finnish European, 0.000085%; no homozygotes.

Submission:

Labcorp Genetics (formerly Invitae), Labcorp
Classification: Uncertain significance for Arrhythmogenic cardiomyopathy with wooly hair and keratoderma; Arrhythmogenic right ventricular dysplasia 8. Last evaluated: 2025-02-27. Review status: criteria provided, single submitter. Criteria: Invitae Variant Classification Sherloc (09022015). Collection method: clinical testing. Allele origin: germline.
Comment: This sequence change replaces histidine, which is basic and polar, with arginine, which is basic and polar, at codon 2742 of the DSP protein (p.His2742Arg). This variant is present in population databases (rs143124957, gnomAD 0.0009%). This variant has not been reported in the literature in individuals affected with DSP-related conditions. An algorithm developed to predict the effect of missense changes on protein structure and function (PolyPhen-2) suggests that this variant is likely to be tolerated. In summary, the available evidence is currently insufficient to determine the role of this variant in disease. Therefore, it has been classified as a Variant of Uncertain Significance.

NM_004415.4(DSP):c.8225A>G (p.His2742Arg)

Gene: DSP (desmoplakin; plus strand). Cytogenetic location: 6p24.3.
Variant type: single nucleotide variant.
Coding change: c.8225A>G on transcript NM_004415.4 (MANE Select); coding-DNA position 8225, A replaced by G.
Protein change: p.His2742Arg; replaces histidine 2742 with arginine.
Molecular consequence: missense variant.
Genome position (GRCh38, 1-based): chr6:7,585,487, A>G. VCF-style: chr6-7585487-A-G. GRCh37 (hg19) VCF-style: chr6-7585720-A-G.
Other names: c.6428A>G, p.His2143Arg (NM_001008844.3); c.6896A>G, p.His2299Arg (NM_001319034.2); short protein forms H2299R, H2143R, H2742R.
Identifiers: ClinVar variation 4794659 (VCV004794659.1).